The following is an entry in ClinVar:

ClinVar aggregate classification (germline): Likely pathogenic (1 of 4 stars; one submission).

Submission:

GeneDx
Classification: Likely pathogenic. Last evaluated: 2026-06-04. Review status: criteria provided, single submitter. Criteria: GeneDx Variant Classification Process June 2021. Collection method: clinical testing. Allele origin: germline.
Comment: Canonical splice site variant in a gene or region of a gene for which loss of function is not a well-established mechanism of disease; Not observed at significant frequency in large population cohorts (gnomAD); This variant is associated with the following publications: (PMID: 32732225)

NM_001846.4(COL4A2):c.2758+1G>A

Gene: COL4A2 (collagen type IV alpha 2 chain; plus strand). Cytogenetic location: 13q34.
Variant type: single nucleotide variant.
Coding change: c.2758+1G>A on transcript NM_001846.4 (MANE Select); the canonical splice donor site of the intron after coding-DNA position 2758, G replaced by A.
Molecular consequence: splice donor variant.
Genome position (GRCh38, 1-based): chr13:110,480,391, G>A. VCF-style: chr13-110480391-G-A. GRCh37 (hg19) VCF-style: chr13-111132738-G-A.
Identifiers: ClinVar variation 3342611 (VCV003342611.2).
Genomic context (GRCh38, chr13:110,480,391, plus strand): 5'-ATCCAGGAAGCCCTGGATTTAAAGGAATTGATGGAATGCCTGGGACCCCCGGGCTAAAAG[G>A]TAATTGTGTGACTGTGACCAGGGATCCCTTGGCGGGGAGGTTGGGTCTAATCAACTCTGA-3'